The following is an entry in ClinVar:

ClinVar aggregate classification (germline): Likely pathogenic (1 of 4 stars; one submission).

Conditions:
Autosomal recessive nonsyndromic hearing loss 22. Identifiers: Orphanet 90636, MedGen C1846896, MONDO:0011762, OMIM 607039.

Submission:

Igenomix - Part of Vitrolife Group, Igenomix
Classification: Likely pathogenic for Autosomal recessive nonsyndromic hearing loss 22. Review status: criteria provided, single submitter. Criteria: ACMG Guidelines, 2015. Collection method: clinical testing. Allele origin: germline. Inheritance: Autosomal recessive inheritance. Affected: no.
Comment: The OTOA variant (p.Trp608Leufs*71) is predicted to result in frameshift and premature truncation of the protein 71 amino acids downstream to codon 608 in the new coding frame (PVS1). This variant is absent in the gnomAD v4.1.0 (PM2). Truncations downstream of this position have been classified as pathogenic. To our knowledge, no experimental evidence demonstrating an impact on protein function has been reported. Based on the evidence outlined above, the variant was classified as likely pathogenic. This variant was detected in the heterozygous state through carrier screening.

NM_144672.4(OTOA):c.1822dup (p.Trp608fs)

Gene: OTOA (otoancorin). Cytogenetic location: 16p12.2.
Variant type: Duplication.
Coding change: c.1822dup on transcript NM_144672.4 (MANE Select); coding-DNA position 1822, one base duplicated.
Protein change: p.Trp608fs; shifts the reading frame from tryptophan 608.
Molecular consequence: frameshift variant.
Genome position: GRCh38 VCF-style: chr16-21722919-G-GT. GRCh37 (hg19) VCF-style: chr16-21734240-G-GT.
Other names: c.1585dup, p.Trp529fs (NM_001161683.2); c.850dup, p.Trp284fs (NM_170664.3); short protein forms W284fs, W529fs, W608fs.
Identifiers: ClinVar variation 3336675 (VCV003336675.1).